The following is an entry in ClinVar:

NM_002979.5(SCP2):c.901G>T (p.Val301Leu)

Gene: SCP2 (sterol carrier protein 2; plus strand). Cytogenetic location: 1p32.3.
Variant type: single nucleotide variant.
Coding change: c.901G>T on transcript NM_002979.5 (MANE Select); coding-DNA position 901, G replaced by T.
Protein change: p.Val301Leu; replaces valine 301 with leucine.
Molecular consequence: missense variant.
Genome position (GRCh38, 1-based): chr1:52,980,471, G>T. VCF-style: chr1-52980471-G-T. GRCh37 (hg19) VCF-style: chr1-53446143-G-T.
Other names: c.769G>T, p.Val257Leu (NM_001007098.3, NM_001193600.2); c.829G>T, p.Val277Leu (NM_001193599.2); c.658G>T, p.Val220Leu (NM_001193617.2); c.901G>T, p.Val301Leu (NM_001330587.2); c.901G>T (NM_002979.4); short protein forms V301L, V220L, V257L, V277L.
Identifiers: ClinVar variation 593728 (VCV000593728.8), dbSNP rs374102289, ClinGen allele CA857252.

ClinVar aggregate classification (germline): Uncertain significance. Review status: criteria provided, multiple submitters, no conflicts (2 of 4 stars). 3 submissions from 3 submitters: Uncertain significance (3). Last evaluated 2024-08-05.

Allele frequency attached by ClinVar (database versions not stated): gnomAD 0.00010; TOPMed 0.00010; 1000 Genomes Project 30x 0.00016; 1000 Genomes Project 0.00020.
gnomAD v4.1: 36 of 1,613,682 alleles (0.0022%); highest among the groups gnomAD compares: African/African-American, 0.048%; no homozygotes.

Submissions (3):

Ambry Genetics
Classification: Uncertain significance. Last evaluated: 2024-08-05. Review status: criteria provided, single submitter. Criteria: Ambry Variant Classification Scheme 2023. Collection method: clinical testing. Allele origin: germline.

Labcorp Genetics (formerly Invitae), Labcorp
Classification: Uncertain significance. Last evaluated: 2022-06-17. Review status: criteria provided, single submitter. Criteria: Invitae Variant Classification Sherloc (09022015). Collection method: clinical testing. Allele origin: germline.
Comment: This sequence change replaces valine, which is neutral and non-polar, with leucine, which is neutral and non-polar, at codon 301 of the SCP2 protein (p.Val301Leu). This variant is present in population databases (rs374102289, gnomAD 0.06%). This variant has not been reported in the literature in individuals affected with SCP2-related conditions. ClinVar contains an entry for this variant (Variation ID: 593728). Algorithms developed to predict the effect of missense changes on protein structure and function (SIFT, PolyPhen-2, Align-GVGD) all suggest that this variant is likely to be disruptive. In summary, the available evidence is currently insufficient to determine the role of this variant in disease. Therefore, it has been classified as a Variant of Uncertain Significance.

Eurofins Ntd Llc (ga)
Classification: Uncertain significance. Last evaluated: 2017-08-24. Review status: criteria provided, single submitter. Criteria: EGL Classification Definitions 2015. Collection method: clinical testing. Allele origin: germline. Observed: 1 variant allele, 1 heterozygote.